The following is an entry in ClinVar:

ClinVar aggregate classification (germline): Uncertain significance (1 of 4 stars; one submission).

Conditions:
Inborn genetic diseases. Identifiers: MedGen C0950123, MeSH D030342.

gnomAD v4.1: 2 of 1,602,180 alleles (0.00012%); highest among the groups gnomAD compares: Non-Finnish European, 0.00017%; no homozygotes.

Submission:

Ambry Genetics
Classification: Uncertain significance for Inborn genetic diseases. Last evaluated: 2025-10-22. Review status: criteria provided, single submitter. Criteria: Ambry Variant Classification Scheme 2023. Collection method: clinical testing. Allele origin: germline.
Comment: The p.H483L variant (also known as c.1448A>T), located in coding exon 13 of the KDM1A gene, results from an A to T substitution at nucleotide position 1448. The histidine at codon 483 is replaced by leucine, an amino acid with similar properties. This amino acid position is conserved. In addition, the in silico prediction for this alteration is inconclusive. Based on the available evidence, the clinical significance of this variant remains unclear.

NM_001009999.3(KDM1A):c.1448A>T (p.His483Leu)

Gene: KDM1A (lysine demethylase 1A; plus strand). Cytogenetic location: 1p36.12.
Variant type: single nucleotide variant.
Coding change: c.1448A>T on transcript NM_001009999.3 (MANE Select); coding-DNA position 1448, A replaced by T.
Protein change: p.His483Leu; replaces histidine 483 with leucine.
Molecular consequence: missense variant.
Genome position (GRCh38, 1-based): chr1:23,071,259, A>T. VCF-style: chr1-23071259-A-T. GRCh37 (hg19) VCF-style: chr1-23397752-A-T.
Other names: c.1376A>T, p.His459Leu (NM_001363654.2, NM_001410763.1, NM_015013.4); c.1436A>T, p.His479Leu (NM_001410762.1); short protein forms H459L, H483L, H479L.
Identifiers: ClinVar variation 4622687 (VCV004622687.1).